The following is an entry in ClinVar:

ClinVar aggregate classification (germline): Uncertain significance (1 of 4 stars; one submission).

Allele frequency attached by ClinVar (database versions not stated): gnomAD exomes 0.00001; ExAC 0.00003.

Submission:

Labcorp Genetics (formerly Invitae), Labcorp
Classification: Uncertain significance. Last evaluated: 2024-05-08. Review status: criteria provided, single submitter. Criteria: Invitae Variant Classification Sherloc (09022015). Collection method: clinical testing. Allele origin: germline.
Comment: This sequence change replaces alanine, which is neutral and non-polar, with valine, which is neutral and non-polar, at codon 363 of the CEP97 protein (p.Ala363Val). This variant is present in population databases (rs767173679, gnomAD 0.02%). This variant has not been reported in the literature in individuals affected with CEP97-related conditions. Advanced modeling of protein sequence and biophysical properties (such as structural, functional, and spatial information, amino acid conservation, physicochemical variation, residue mobility, and thermodynamic stability) performed at Invitae indicates that this missense variant is not expected to disrupt CEP97 protein function with a negative predictive value of 80%. In summary, the available evidence is currently insufficient to determine the role of this variant in disease. Therefore, it has been classified as a Variant of Uncertain Significance.

NM_024548.4(CEP97):c.1088C>T (p.Ala363Val)

Gene: CEP97 (centrosomal protein 97; plus strand). Cytogenetic location: 3q12.3.
Variant type: single nucleotide variant.
Coding change: c.1088C>T on transcript NM_024548.4 (MANE Select); coding-DNA position 1088, C replaced by T.
Protein change: p.Ala363Val; replaces alanine 363 with valine.
Molecular consequence: missense variant. On other transcripts: intron variant (2).
Genome position (GRCh38, 1-based): chr3:101,757,694, C>T. VCF-style: chr3-101757694-C-T. GRCh37 (hg19) VCF-style: chr3-101476538-C-T.
Other names: c.986C>T, p.Ala329Val (NM_001410784.1); c.1028-117C>T (NM_001303401.2); c.926-117C>T (NM_001410785.1); short protein forms A363V, A329V.
Identifiers: ClinVar variation 2969738 (VCV002969738.3), dbSNP rs767173679, ClinGen allele CA2522066.
Genomic context (GRCh38, chr3:101,757,694, plus strand): 5'-AACCCGTCATTCAAGTGAATTCTTGGGTTGGGATAAACAGTAATGATGATCAGTTATTTG[C>T]GGTTAAGAATAATTTTCCAGCCTCTGTACACACTACGAGATATTCTCGAAATGATCTGCA-3'
Protein context (NP_078824.2, residues 353-373): GINSNDDQLF[Ala363Val]VKNNFPASVH